The following is an entry in ClinVar:

NM_003072.5(SMARCA4):c.812G>T (p.Gly271Val)

Gene: SMARCA4 (SWI/SNF related BAF chromatin remodeling complex subunit ATPase 4; plus strand). Cytogenetic location: 19p13.2.
Variant type: single nucleotide variant.
Coding change: c.812G>T on transcript NM_003072.5 (MANE Select); coding-DNA position 812, G replaced by T.
Protein change: p.Gly271Val; replaces glycine 271 with valine.
Molecular consequence: missense variant. On other transcripts: non-coding transcript variant (1).
Genome position (GRCh38, 1-based): chr19:10,986,956, G>T. VCF-style: chr19-10986956-G-T. GRCh37 (hg19) VCF-style: chr19-11097632-G-T.
Other names: c.812G>T, p.Gly271Val (NM_001128844.3, NM_001128845.2, NM_001128846.2 and 6 more transcripts); short protein forms G271V.
Identifiers: ClinVar variation 3377803 (VCV003377803.1).

ClinVar aggregate classification (germline): Uncertain significance (1 of 4 stars; one submission).

Conditions:
Rhabdoid tumor predisposition syndrome 2 (RTPS2). Identifiers: Orphanet 231108, Orphanet 69077, MedGen C2750074, MONDO:0013224, OMIM 613325.

gnomAD v4.1: 1 of 1,610,516 alleles (0.000062%); no homozygotes.

Submission:

St. Jude Molecular Pathology, St. Jude Children's Research Hospital
Classification: Uncertain significance for Rhabdoid tumor predisposition syndrome 2. Last evaluated: 2024-02-06. Review status: criteria provided, single submitter. Criteria: St. Jude Assertion Criteria 2020. Collection method: clinical testing. Allele origin: germline.
Comment: The SMARCA4 c.812G>T (p.Gly271Val) missense change is absent in gnomAD v2.1.1. The in silico tool REVEL is inconclusive about a pathogenic or benign effect of this variant on protein function, and functional studies have not been performed. This variant does not occur within a functional domain of the BRG1 protein and it has not been reported in individuals with rhabdoid tumor predisposition syndrome. In summary, the evidence currently available is insufficient to determine the clinical significance of this variant. It has therefore been classified as of uncertain significance.